The following is an entry in ClinVar:

ClinVar aggregate classification (germline): Likely benign. Review status: criteria provided, single submitter (1 of 4 stars). 2 submissions from 2 submitters: Likely benign (1). 1 of the submissions does not count toward it. Last evaluated 2024-01-02.

Conditions:
C3-related disorder. Also called: C3-related condition.

Allele frequency attached by ClinVar (database versions not stated): gnomAD 0.00001; gnomAD exomes 0.00001; TOPMed 0.00001; ExAC 0.00003; ESP Exome Variant Server 0.00008; 1000 Genomes Project 30x 0.00016; 1000 Genomes Project 0.00020.
gnomAD v4.1: 17 of 1,613,714 alleles (0.0011%); highest among the groups gnomAD compares: South Asian, 0.012%; no homozygotes.

Submissions (2):

Labcorp Genetics (formerly Invitae), Labcorp
Classification: Likely benign. Last evaluated: 2024-01-02. Review status: criteria provided, single submitter. Criteria: Invitae Variant Classification Sherloc (09022015). Collection method: clinical testing. Allele origin: germline.

PreventionGenetics, part of Exact Sciences
Classification: Likely benign for C3-related condition. Last evaluated: 2019-05-21. Review status: no assertion criteria provided. Collection method: clinical testing. Allele origin: germline. Not counted in ClinVar's aggregate classification.
Comment: This variant is classified as likely benign based on ACMG/AMP sequence variant interpretation guidelines (Richards et al. 2015 PMID: 25741868, with internal and published modifications).

NM_000064.4(C3):c.2112G>A (p.Arg704=)

Gene: C3 (complement C3; minus strand). Cytogenetic location: 19p13.3.
Variant type: single nucleotide variant.
Coding change: c.2112G>A on transcript NM_000064.4 (MANE Select); coding-DNA position 2112, G replaced by A.
Protein change: p.Arg704=; no amino-acid change (arginine 704 retained).
Molecular consequence: synonymous variant.
Genome position (GRCh38, 1-based): chr19:6,707,209, C>T on the plus strand (G>A on the coding strand, the complement: C3 is on the minus strand). VCF-style: chr19-6707209-C-T. GRCh37 (hg19) VCF-style: chr19-6707220-C-T.
Other names: c.2112G>A (NM_000064.3).
Identifiers: ClinVar variation 2787372 (VCV002787372.5), dbSNP rs369766946, ClinGen allele CA9129187.